The following is an entry in ClinVar:

ClinVar aggregate classification (germline): Likely benign. Review status: reviewed by expert panel (3 of 4 stars). 9 submissions from 9 submitters: Likely benign (1). 8 of the submissions do not count toward it. Last evaluated 2026-01-27.

Conditions:
ABCA4-related disorder. Also called: ABCA4-related condition; ABCA4-related disorders. Identifiers: MedGen CN239167.
ABCA4-related retinopathy. Also called: ABCA4 retinoapthy; ABCA4-related retinoapthy. Identifiers: MedGen CN322612, MONDO:0800406.

Allele frequency attached by ClinVar (database versions not stated): TOPMed 0.00039; ESP Exome Variant Server 0.00046; gnomAD exomes 0.00067 and 0.00112; ExAC 0.00116; 1000 Genomes Project 30x 0.00141; 1000 Genomes Project 0.00180.
gnomAD v4.1: 1,074 of 1,614,150 alleles (0.067%); highest among the groups gnomAD compares: South Asian, 0.54%; 7 homozygotes.

Submissions (9):

ClinGen ABCA4 Variant Curation Expert Panel, Clingen
Classification: Likely benign for ABCA4-related retinopathy. Last evaluated: 2026-01-27. Review status: reviewed by expert panel. Criteria: ClinGen ABCA4 ACMG Specifications V1.0.0. Collection method: curation. Allele origin: germline. Inheritance: Autosomal recessive inheritance.
Comment: The NM_000350.3:c.4050G>C; p.Leu1350= variant is a synonymous variant. The total minor allele frequency in gnomAD v4.1.0 is 0.000665 (1074/1614150 alleles), which is higher than the ClinGen ABCA4 VCEP’s threshold for PM2_Supporting (<0.0001). The computational splicing predictor SpliceAI gives this synonymous variant a delta score of 0 for acceptor/donor loss and gain which is below the ClinGen ABCA4 VCEP threshold of <0.1 and does not strongly predict a splicing defect meeting (BP7_Moderate). In summary, this variant meets the criteria to be classified as likely benign for ABCA4-related retinopathy based on the ACMG/AMP criteria applied, as specified by the ClinGen ABCA4 VCEP (Specification Version v.1.0): BP7_Moderate.

Labcorp Genetics (formerly Invitae), Labcorp
Classification: Benign. Last evaluated: 2026-02-01. Review status: criteria provided, single submitter. Criteria: Invitae Variant Classification Sherloc (09022015). Collection method: clinical testing. Allele origin: germline. Not counted in ClinVar's aggregate classification.

CeGaT Center for Human Genetics Tuebingen
Classification: Likely benign. Last evaluated: 2025-08-01. Review status: criteria provided, single submitter. Criteria: CeGaT Center For Human Genetics Tuebingen Variant Classification Criteria Version 2. Collection method: clinical testing. Allele origin: germline. Affected: yes. Observed: 2 variant alleles. Not counted in ClinVar's aggregate classification.
Comment: ABCA4: BP4, BP7

Blueprint Genetics
Classification: Likely benign. Last evaluated: 2024-11-18. Review status: criteria provided, single submitter. Criteria: ACMG Guidelines, 2015. Collection method: clinical testing. Allele origin: germline. Not counted in ClinVar's aggregate classification.

Illumina Laboratory Services, Illumina
Classification: Uncertain significance for ABCA4-Related Disorders. Last evaluated: 2018-01-13. Review status: criteria provided, single submitter. Criteria: ICSL Variant Classification Criteria 13 December 2019. Collection method: clinical testing. Allele origin: germline. Not counted in ClinVar's aggregate classification.

GeneDx
Classification: Benign. Last evaluated: 2015-03-03. Review status: criteria provided, single submitter. Criteria: GeneDx Variant Classification Process June 2021. Collection method: clinical testing. Allele origin: germline. Affected: yes. Not counted in ClinVar's aggregate classification.

Clinical Genetics DNA and cytogenetics Diagnostics Lab, Erasmus MC, Erasmus Medical Center
Classification: Likely benign. Review status: no assertion criteria provided. Collection method: clinical testing. Allele origin: germline. Affected: yes. Study: VKGL Data-share Consensus. Not counted in ClinVar's aggregate classification.

Clinical Genetics, Academic Medical Center
Classification: Benign. Review status: no assertion criteria provided. Collection method: clinical testing. Allele origin: germline. Affected: yes. Study: VKGL Data-share Consensus. Not counted in ClinVar's aggregate classification.

Joint Genome Diagnostic Labs from Nijmegen and Maastricht, Radboudumc and MUMC+
Classification: Likely benign. Review status: no assertion criteria provided. Collection method: clinical testing. Allele origin: germline. Affected: yes. Study: VKGL Data-share Consensus. Not counted in ClinVar's aggregate classification.

NM_000350.3(ABCA4):c.4050G>C (p.Leu1350=)

Gene: ABCA4 (ATP binding cassette subfamily A member 4; minus strand). Cytogenetic location: 1p22.1.
Variant type: single nucleotide variant.
Coding change: c.4050G>C on transcript NM_000350.3 (MANE Select); coding-DNA position 4050, G replaced by C.
Protein change: p.Leu1350=; no amino-acid change (leucine 1350 retained).
Molecular consequence: synonymous variant.
Genome position (GRCh38, 1-based): chr1:94,031,856, C>G on the plus strand (G>C on the coding strand, the complement: ABCA4 is on the minus strand). VCF-style: chr1-94031856-C-G. GRCh37 (hg19) VCF-style: chr1-94497412-C-G.
Other names: NM_000350.3(ABCA4):c.4050G>C; p.Leu1350=; c.3828G>C, p.Leu1276= (NM_001425324.1).
Identifiers: ClinVar variation 298242 (VCV000298242.47), dbSNP rs141004967, ClinGen allele CA957737.